The following is an entry in ClinVar:

ClinVar aggregate classification (germline): Uncertain significance. Review status: criteria provided, single submitter (1 of 4 stars). 2 submissions from 2 submitters: Uncertain significance (1). 1 of the submissions does not count toward it. Last evaluated 2024-11-04.

Conditions:
HEMOGLOBIN SAALE.

Allele frequency attached by ClinVar (database versions not stated): gnomAD exomes below 0.00001.

Submissions (2):

Quest Diagnostics Nichols Institute San Juan Capistrano
Classification: Uncertain significance. Last evaluated: 2024-11-04. Review status: criteria provided, single submitter. Criteria: Quest Diagnostics criteria. Collection method: clinical testing. Allele origin: unknown.
Comment: The HBB c.253A>G (p.Thr85Ala) variant (also known as Hb Saale) has been reported in the heterozygous state in four members of a family in Germany, two of the individuals presented with mild anemia while two others did not (PMID: 10770934 (2000)). Experimental studies indicate this variant has normal oxygen affinity and cooperativity, but is mildly unstable (PMID: 10770934 (2000)). This variant has not been reported in large, multi-ethnic general populations (Genome Aggregation Database). Analysis of this variant using bioinformatics tools for the prediction of the effect of amino acid changes on protein structure and function yielded conflicting predictions that this variant is deleterious or benign. Based on the available information, we are unable to determine the clinical significance of this variant.

OMIM
Classification: other for HEMOGLOBIN SAALE. Last evaluated: 2017-12-12. Review status: no assertion criteria provided. Collection method: literature only. Allele origin: germline. Not counted in ClinVar's aggregate classification.

Literature cited by the submitters: PubMed 10770934 (cited by Quest Diagnostics Nichols Institute San Juan Capistrano and OMIM); PubMed 18832473 (cited by Quest Diagnostics Nichols Institute San Juan Capistrano).

NM_000518.5(HBB):c.253A>G (p.Thr85Ala)

Genes: HBB (hemoglobin subunit beta; minus strand), LOC106099062 (HBB recombination region; plus strand), LOC107133510 (origin of replication at HBB; plus strand). Cytogenetic location: 11p15.4.
Variant type: single nucleotide variant.
Coding change: c.253A>G on transcript NM_000518.5 (MANE Select); coding-DNA position 253, A replaced by G.
Protein change: p.Thr85Ala; replaces threonine 85 with alanine.
Molecular consequence: missense variant.
Genome position (GRCh38, 1-based): chr11:5,226,639, T>C on the plus strand (A>G on the coding strand, the complement: HBB is on the minus strand). VCF-style: chr11-5226639-T-C. GRCh37 (hg19) VCF-style: chr11-5247869-T-C.
Other names: T84A; short protein forms T85A.
Identifiers: ClinVar variation 15579 (VCV000015579.4), dbSNP rs35960772, ClinGen allele CA125482.